The following is an entry in ClinVar:

ClinVar aggregate classification (germline): Uncertain significance. Review status: criteria provided, multiple submitters, no conflicts (2 of 4 stars). 4 submissions from 4 submitters: Uncertain significance (4). Last evaluated 2025-08-25.

Conditions:
Ehlers-Danlos syndrome, classic type, 2 (EDSCL2). Also called: Ehlers-Danlos Syndrome, Classic Type, COL5A2-Related; Ehlers-Danlos syndrome, type 2; Ehlers-Danlos syndrome type 2 (formerly). Identifiers: Orphanet 287, Orphanet 90318, MedGen C0268336, MONDO:0019568, OMIM 130010.
Familial thoracic aortic aneurysm and aortic dissection (TAAD). Also called: Thoracic aortic aneurysms and dissections. Identifiers: Orphanet 91387, MedGen C4707243, MONDO:0019625.
Ehlers-Danlos syndrome, classic type, 1 (EDSCL1). Also called: Ehlers-Danlos Syndrome, Classic Type, COL5A1-Related; EDS I; Ehlers-Danlos syndrome, type 1; EHLERS-DANLOS SYNDROME, GRAVIS TYPE; EHLERS-DANLOS SYNDROME, SEVERE CLASSIC TYPE. Identifiers: MedGen C0268335, MONDO:0019567, OMIM 130000.

gnomAD v4.1: 2 of 1,613,724 alleles (0.00012%); highest among the groups gnomAD compares: Non-Finnish European, 0.00017%; no homozygotes.

Submissions (4):

Labcorp Genetics (formerly Invitae), Labcorp
Classification: Uncertain significance for Ehlers-Danlos syndrome, classic type, 1. Last evaluated: 2025-08-25. Review status: criteria provided, single submitter. Criteria: Invitae Variant Classification Sherloc (09022015). Collection method: clinical testing. Allele origin: germline.
Comment: This sequence change replaces proline, which is neutral and non-polar, with histidine, which is basic and polar, at codon 553 of the COL5A2 protein (p.Pro553His). This variant is not present in population databases (gnomAD no frequency). This variant has not been reported in the literature in individuals affected with COL5A2-related conditions. ClinVar contains an entry for this variant (Variation ID: 529269). Invitae Evidence Modeling of protein sequence and biophysical properties (such as structural, functional, and spatial information, amino acid conservation, physicochemical variation, residue mobility, and thermodynamic stability) indicates that this missense variant is not expected to disrupt COL5A2 protein function with a negative predictive value of 80%. In summary, the available evidence is currently insufficient to determine the role of this variant in disease. Therefore, it has been classified as a Variant of Uncertain Significance.

GeneDx
Classification: Uncertain significance. Last evaluated: 2024-06-02. Review status: criteria provided, single submitter. Criteria: GeneDx Variant Classification Process June 2021. Collection method: clinical testing. Allele origin: germline. Affected: yes.
Comment: Not observed at significant frequency in large population cohorts (gnomAD); In silico analysis supports that this missense variant has a deleterious effect on protein structure/function; Has not been previously published as pathogenic or benign to our knowledge

Ambry Genetics
Classification: Uncertain significance for Familial thoracic aortic aneurysm and aortic dissection. Last evaluated: 2023-06-27. Review status: criteria provided, single submitter. Criteria: Ambry Variant Classification Scheme 2023. Collection method: clinical testing. Allele origin: germline.
Comment: The p.P553H variant (also known as c.1658C>A), located in coding exon 25 of the COL5A2 gene, results from a C to A substitution at nucleotide position 1658. The proline at codon 553 is replaced by histidine, an amino acid with similar properties. This amino acid position is highly conserved in available vertebrate species. In addition, this alteration is predicted to be deleterious by in silico analysis. Since supporting evidence is limited at this time, the clinical significance of this alteration remains unclear.

Revvity Omics, Revvity
Classification: Uncertain significance for Ehlers-Danlos syndrome, classic type, 2. Last evaluated: 2021-06-28. Review status: criteria provided, single submitter. Criteria: ACMG Guidelines, 2015. Collection method: clinical testing. Allele origin: germline.

NM_000393.5(COL5A2):c.1658C>A (p.Pro553His)

Gene: COL5A2 (collagen type V alpha 2 chain; minus strand). Cytogenetic location: 2q32.2.
Variant type: single nucleotide variant.
Coding change: c.1658C>A on transcript NM_000393.5 (MANE Select); coding-DNA position 1658, C replaced by A.
Protein change: p.Pro553His; replaces proline 553 with histidine.
Molecular consequence: missense variant.
Genome position (GRCh38, 1-based): chr2:189,064,615, G>T on the plus strand (C>A on the coding strand, the complement: COL5A2 is on the minus strand). VCF-style: chr2-189064615-G-T. GRCh37 (hg19) VCF-style: chr2-189929341-G-T.
Other names: short protein forms P553H.
Identifiers: ClinVar variation 529269 (VCV000529269.19), dbSNP rs149203102, ClinGen allele CA349850599.